The following is an entry in ClinVar:

NM_001429.4(EP300):c.3012C>G (p.Asp1004Glu)

Genes: EP300 (EP300 lysine acetyltransferase; plus strand), LOC126863158 (BRD4-independent group 4 enhancer GRCh37_chr22:41547383-41548582; plus strand). Cytogenetic location: 22q13.2.
Variant type: single nucleotide variant.
Coding change: c.3012C>G on transcript NM_001429.4 (MANE Select); coding-DNA position 3012, C replaced by G.
Protein change: p.Asp1004Glu; replaces aspartic acid 1004 with glutamic acid.
Molecular consequence: missense variant.
Genome position (GRCh38, 1-based): chr22:41,152,220, C>G. VCF-style: chr22-41152220-C-G. GRCh37 (hg19) VCF-style: chr22-41548224-C-G.
Other names: c.2934C>G, p.Asp978Glu (NM_001362843.2); short protein forms D1004E, D978E.
Identifiers: ClinVar variation 2653202 (VCV002653202.24), dbSNP rs2145740634, ClinGen allele CA411693182.

ClinVar aggregate classification (germline): Uncertain significance (1 of 4 stars; one submission).

Submission:

CeGaT Center for Human Genetics Tuebingen
Classification: Uncertain significance. Last evaluated: 2023-01-01. Review status: criteria provided, single submitter. Criteria: CeGaT Center For Human Genetics Tuebingen Variant Classification Criteria Version 2. Collection method: clinical testing. Allele origin: germline. Affected: yes. Observed: 1 variant allele.
Comment: EP300: PM2, BP4